The following is an entry in ClinVar:

NM_003482.4(KMT2D):c.13568A>G (p.Lys4523Arg)

Gene: KMT2D (lysine methyltransferase 2D; minus strand). Cytogenetic location: 12q13.12.
Variant type: single nucleotide variant.
Coding change: c.13568A>G on transcript NM_003482.4 (MANE Select); coding-DNA position 13568, A replaced by G.
Protein change: p.Lys4523Arg; replaces lysine 4523 with arginine.
Molecular consequence: missense variant.
Genome position (GRCh38, 1-based): chr12:49,030,996, T>C on the plus strand (A>G on the coding strand, the complement: KMT2D is on the minus strand). VCF-style: chr12-49030996-T-C. GRCh37 (hg19) VCF-style: chr12-49424779-T-C.
Other names: short protein forms K4523R.
Identifiers: ClinVar variation 1313360 (VCV001313360.5), dbSNP rs752523300, ClinGen allele CA384703602.
Genomic context (GRCh38, chr12:49,030,996, plus strand): 5'-TCCTCCTTCCGCAGCTTCTTTCGGGAGCTCACCAACCTGTCGCTTGCCTTCTGTACCCGC[T>C]TGGGCTTCGGTGTCAAAGGCTTCCTTGCTGCTGCATCCTAAGCCAAATAAGCCCATTGAA-3'
Protein context (NP_003473.3, residues 4513-4533): AARKPLTPKP[Lys4523Arg]RVQKASDRLV

ClinVar aggregate classification (germline): Conflicting classifications of pathogenicity. Review status: criteria provided, conflicting classifications (1 of 4 stars). 3 submissions from 3 submitters: Uncertain significance (2); Likely benign (1). Last evaluated 2025-10-15.

Conditions:
Kabuki syndrome 1 (KABUK1). Also called: KMT2D-Related Kabuki Syndrome. Identifiers: Orphanet 2322, MedGen CN030661, MONDO:0007843, OMIM 147920.
Choanal atresia-athelia-hypothyroidism-delayed puberty-short stature syndrome (BCAHH). Also called: BRANCHIAL ARCH ABNORMALITIES, CHOANAL ATRESIA, ATHELIA, HEARING LOSS, AND HYPOTHYROIDISM SYNDROME. Identifiers: Orphanet 589856, MedGen C5680310, MONDO:0035651, OMIM 620186.
Kabuki syndrome. Also called: NIIKAWA-KUROKI SYNDROME; Kabuki make-up syndrome. Identifiers: Orphanet 2322, MedGen C0796004, MONDO:0016512.

Allele frequency attached by ClinVar (database versions not stated): TOPMed 0.00001; gnomAD 0.00002.
gnomAD v4.1: 130 of 1,613,840 alleles (0.0081%); highest among the groups gnomAD compares: Non-Finnish European, 0.011%; no homozygotes.

Submissions (3):

Labcorp Genetics (formerly Invitae), Labcorp
Classification: Uncertain significance for Kabuki syndrome. Last evaluated: 2025-10-15. Review status: criteria provided, single submitter. Criteria: Invitae Variant Classification Sherloc (09022015). Collection method: clinical testing. Allele origin: germline.
Comment: This sequence change replaces lysine, which is basic and polar, with arginine, which is basic and polar, at codon 4523 of the KMT2D protein (p.Lys4523Arg). This variant is present in population databases (no rsID available, gnomAD 0.0009%). This variant has not been reported in the literature in individuals affected with KMT2D-related conditions. ClinVar contains an entry for this variant (Variation ID: 1313360). Invitae Evidence Modeling of protein sequence and biophysical properties (such as structural, functional, and spatial information, amino acid conservation, physicochemical variation, residue mobility, and thermodynamic stability) has been performed for this missense variant. However, the output from this modeling did not meet the statistical confidence thresholds required to predict the impact of this variant on KMT2D protein function. In summary, the available evidence is currently insufficient to determine the role of this variant in disease. Therefore, it has been classified as a Variant of Uncertain Significance.

Fulgent Genetics
Classification: Likely benign for Kabuki syndrome 1; Choanal atresia-athelia-hypothyroidism-delayed puberty-short stature syndrome. Last evaluated: 2024-06-18. Review status: criteria provided, single submitter. Criteria: ACMG Guidelines, 2015. Collection method: clinical testing. Allele origin: germline.

GeneDx
Classification: Uncertain significance. Last evaluated: 2020-10-20. Review status: criteria provided, single submitter. Criteria: GeneDx Variant Classification Process June 2021. Collection method: clinical testing. Allele origin: germline. Affected: yes.
Comment: In silico analysis supports that this missense variant does not alter protein structure/function; Has not been previously published as pathogenic or benign to our knowledge